The following is an entry in ClinVar:

NM_017636.4(TRPM4):c.3511C>T (p.Arg1171Cys)

Gene: TRPM4 (transient receptor potential cation channel subfamily M member 4; plus strand). Cytogenetic location: 19q13.33.
Variant type: single nucleotide variant.
Coding change: c.3511C>T on transcript NM_017636.4 (MANE Select); coding-DNA position 3511, C replaced by T.
Protein change: p.Arg1171Cys; replaces arginine 1171 with cysteine.
Molecular consequence: missense variant.
Genome position (GRCh38, 1-based): chr19:49,211,064, C>T. VCF-style: chr19-49211064-C-T. GRCh37 (hg19) VCF-style: chr19-49714321-C-T.
Other names: c.3076C>T, p.Arg1026Cys (NM_001195227.2); c.3166C>T, p.Arg1056Cys (NM_001321281.2); c.1903C>T, p.Arg635Cys (NM_001321282.2); c.2989C>T, p.Arg997Cys (NM_001321283.2); c.2449C>T, p.Arg817Cys (NM_001321285.2); c.3511C>T (NM_017636.3); short protein forms R1056C, R1171C, R635C, R1026C, R817C, R997C.
Identifiers: ClinVar variation 2728533 (VCV002728533.4), dbSNP rs755199637, ClinGen allele CA9569942.

ClinVar aggregate classification (germline): Uncertain significance. Review status: criteria provided, multiple submitters, no conflicts (2 of 4 stars). 2 submissions from 2 submitters: Uncertain significance (2). Last evaluated 2025-03-09.

Conditions:
Cardiovascular phenotype. Identifiers: MedGen CN230736.
Progressive familial heart block type IB (PFHB1B). Identifiers: Orphanet 871, MedGen C1970298, MONDO:0011474, OMIM 604559.

Allele frequency attached by ClinVar (database versions not stated): gnomAD exomes below 0.00001; TOPMed below 0.00001; ExAC 0.00001.
gnomAD v4.1: 2 of 1,614,136 alleles (0.00012%); highest among the groups gnomAD compares: Admixed American, 0.0017%; no homozygotes.

Submissions (2):

Ambry Genetics
Classification: Uncertain significance for Cardiovascular phenotype. Last evaluated: 2025-03-09. Review status: criteria provided, single submitter. Criteria: Ambry Variant Classification Scheme 2023. Collection method: clinical testing. Allele origin: germline.
Comment: The p.R1171C variant (also known as c.3511C>T), located in coding exon 23 of the TRPM4 gene, results from a C to T substitution at nucleotide position 3511. The arginine at codon 1171 is replaced by cysteine, an amino acid with highly dissimilar properties. This amino acid position is conserved. In addition, this alteration is predicted to be tolerated by in silico analysis. Based on the available evidence, the clinical significance of this variant remains unclear.

Labcorp Genetics (formerly Invitae), Labcorp
Classification: Uncertain significance for Progressive familial heart block type IB. Last evaluated: 2024-01-24. Review status: criteria provided, single submitter. Criteria: Invitae Variant Classification Sherloc (09022015). Collection method: clinical testing. Allele origin: germline.
Comment: This sequence change replaces arginine, which is basic and polar, with cysteine, which is neutral and slightly polar, at codon 1171 of the TRPM4 protein (p.Arg1171Cys). This variant is present in population databases (rs755199637, gnomAD 0.01%). This variant has not been reported in the literature in individuals affected with TRPM4-related conditions. An algorithm developed to predict the effect of missense changes on protein structure and function (PolyPhen-2) suggests that this variant is likely to be disruptive. In summary, the available evidence is currently insufficient to determine the role of this variant in disease. Therefore, it has been classified as a Variant of Uncertain Significance.